The following is an entry in ClinVar:

ClinVar aggregate classification (germline): Pathogenic. Review status: reviewed by expert panel (3 of 4 stars). 12 submissions from 12 submitters: Pathogenic (1). 11 of the submissions do not count toward it. Last evaluated 2016-12-15.

Conditions:
Cardiovascular phenotype. Identifiers: MedGen CN230736.
Hypertrophic cardiomyopathy 1 (CMH1). Also called: Familial hypertrophic cardiomyopathy 1; MYH7-Related Familial Hypertrophic Cardiomyopathy. Identifiers: MedGen C3495498, MONDO:0008647, OMIM 192600.
Hypertrophic cardiomyopathy. Also called: HYPERTROPHIC MYOCARDIOPATHY. Identifiers: Orphanet 217569, MedGen C0007194, MeSH D002312, MONDO:0005045, HP:0001639.

gnomAD v4.1: 2 of 1,613,886 alleles (0.00012%); highest among the groups gnomAD compares: Non-Finnish European, 0.00017%; no homozygotes.

Submissions 1 to 7 of 12:

ClinGen Cardiomyopathy Variant Curation Expert Panel
Classification: Pathogenic for Hypertrophic cardiomyopathy. Last evaluated: 2016-12-15. Review status: reviewed by expert panel. Criteria: ClinGen CMP ACMG Specifications v1. Collection method: curation. Allele origin: germline. Inheritance: Autosomal dominant inheritance.
Comment: The c.2221G>T (p.Gly741Trp) variant in MYH7 has been reported in >15 individuals with hypertrophic cardiomyopathy (PS4; PMID: 8533830; PMID:15856146; PMID:27532257; Partners LMM ClinVar SCV000203910.4; AGCMC Sydney ClinVar SCV000212638.1). This variant segregated with disease in 5 affected individuals (PP1_Moderate; PMID:15856146; AGCMC Sydney ClinVar SCV000212638.1). This variant was absent from large population studies (PM2). This variant lies in the head region of the protein (aa 181-937) and missense variants in this region are statistically more likely to be disease-associated (PM1; PMID:27532257). Computational prediction tools and conservation analysis suggest that this variant may impact the protein (PP3). A different pathogenic missense variant has been previously identified at this codon which may indicate that this residue is critical to the function of the protein (PM5; c.2221G>C p.Gly741Arg - Variation ID 14098). In summary, this variant meets criteria to be classified as pathogenic for hypertrophic cardiomyopathy in an autosomal dominant manner. MYH7-specific ACMG/AMP criteria applied (PMID:29300372): PS4; PM1; PM2; PM5; PP1_Moderate; PP3

GeneDx
Classification: Pathogenic. Last evaluated: 2026-08-20. Review status: criteria provided, single submitter. Criteria: GeneDx Variant Classification Process June 2021. Collection method: clinical testing. Allele origin: germline. Not counted in ClinVar's aggregate classification.
Comment: Identified in a multiple patients with HCM referred for genetic testing at GeneDx and in published literature (PMID: 8533830, 15856146, 23074333, 23283745, 24510615, 27532257, 30025578); Not observed at significant frequency in large population cohorts (gnomAD); In silico analysis supports that this missense variant has a deleterious effect on protein structure/function; This variant is associated with the following publications: (PMID: 23074333, 27247418, 8533830, 36578016, 40225148, 25935763, 21310275, 28606303, 15856146, 23283745, 24510615, 27532257, 24810389, 30025578, 29300372, 28166811, 29369293, 31737537, 32344918, 29907873, 31006259, 32746448, 32894683, 36252119, 37652022, 36243179, 35653365, 35288587, 26914223, 38456273, 34714385)

Labcorp Genetics (formerly Invitae), Labcorp
Classification: Pathogenic for Hypertrophic cardiomyopathy. Last evaluated: 2025-12-21. Review status: criteria provided, single submitter. Criteria: Invitae Variant Classification Sherloc (09022015). Collection method: clinical testing. Allele origin: germline. Not counted in ClinVar's aggregate classification.
Comment: This sequence change replaces glycine, which is neutral and non-polar, with tryptophan, which is neutral and slightly polar, at codon 741 of the MYH7 protein (p.Gly741Trp). This variant is not present in population databases (gnomAD no frequency). This missense change has been observed in individuals with hypertrophic cardiomyopathy (HCM) (PMID: 8533830, 15856146, 22112859, 22429680, 25935763, 26914223, 27532257). It has also been observed to segregate with disease in related individuals. ClinVar contains an entry for this variant (Variation ID: 177665). Invitae Evidence Modeling of protein sequence and biophysical properties (such as structural, functional, and spatial information, amino acid conservation, physicochemical variation, residue mobility, and thermodynamic stability) indicates that this missense variant is expected to disrupt MYH7 protein function with a positive predictive value of 95%. This variant is found within a region of MYH7 between codons 181 and 937 that contains the majority of the myosin head domain. Missense variants in this region have been shown to be significantly overrepresented in individuals with hypertrophic cardiomyopathy (PMID: 27532257). For these reasons, this variant has been classified as Pathogenic.

Molecular Diagnostic Laboratory for Inherited Cardiovascular Disease, Montreal Heart Institute
Classification: Pathogenic for Cardiovascular phenotype. Last evaluated: 2025-09-12. Review status: criteria provided, single submitter. Criteria: ACMG Guidelines, 2015. Collection method: clinical testing. Allele origin: germline. Affected: yes. Not counted in ClinVar's aggregate classification.
Comment: PS4, PP1_strong, PM1, PM2, PM5, PP3

Victorian Clinical Genetics Services, Murdoch Childrens Research Institute
Classification: Pathogenic for Hypertrophic cardiomyopathy 1. Last evaluated: 2025-06-17. Review status: criteria provided, single submitter. Criteria: ACMG Guidelines, 2015. Collection method: clinical testing. Allele origin: germline. Affected: yes. Not counted in ClinVar's aggregate classification.
Comment: This variant is classified as Pathogenic. Evidence in support of pathogenic classification: Variant is present in gnomAD (v3) <0.001 for a dominant condition (1 heterozygote, 0 homozygotes); This variant has strong previous evidence of pathogenicity in unrelated individuals. This variant has been classified as pathogenic for hypertrophic cardiomyopathy by the ClinGen Cardiomyopathy Variant Curation Expert Panel (ClinVar); Variant is located in a hotspot region or cluster of pathogenic variants in the myosin motor domain (NCBI, PMID: 29300372); Missense variant consistently predicted to be damaging by multiple in silico tools or highly conserved with a major amino acid change. Additional information: Variant is predicted to result in a missense amino acid change from glycine to tryptophan; This variant is heterozygous; This gene is associated with both recessive and dominant disease. Disease associated with this gene usually has autosomal dominant inheritance; however, a recessive inheritance pattern has been observed in severe cases (OMIM); An alternative amino acid change at the same position has been observed in gnomAD (v3) (2 heterozygotes, 0 homozygotes); The mechanism of disease for this gene is not clearly established, however, missense variants have been proposed to act in a dominant negative manner (PMID: 24714796); The condition associated with this gene has incomplete penetrance (PMID: 29300372); Inheritance information for this variant is not currently available in this individual.

Ambry Genetics
Classification: Pathogenic for Cardiovascular phenotype. Last evaluated: 2024-12-09. Review status: criteria provided, single submitter. Criteria: Ambry Variant Classification Scheme 2023. Collection method: clinical testing. Allele origin: germline. Not counted in ClinVar's aggregate classification.
Comment: The p.G741W pathogenic mutation (also known as c.2221G>T), located in coding exon 18 of the MYH7 gene, results from a G to T substitution at nucleotide position 2221. The glycine at codon 741 is replaced by tryptophan, an amino acid with highly dissimilar properties. This alteration is located in the myosin head domain, which contains a statistically significant clustering of pathogenic missense variants (Homburger JR et al. Proc Natl Acad Sci U S A, 2016 06;113:6701-6; Walsh R et al. Genet Med, 2017 02;19:192-203; Ambry internal data). This variant has been described in several hypertrophic cardiomyopathy (HCM) cohorts and has been observed to co-segregate with disease in families (Arai S et al. Am J Med Genet. 1995;58:267-76; Perrot A et al. J Mol Med. 2005;83:468-77; Bagnall RD et al. J Am Coll Cardiol, 2018 07;72:419-429; Walsh R et al. Genet Med, 2017 02;19:192-203). In addition, another substitution at the same codon, p.G741R (c.2221G>A and c.2221G>C), has been described in multiple individuals with HCM (Fananapazir L et al. Proc Natl Acad Sci U.S.A. 1993;90(9):3993-7). This amino acid position is well conserved in available vertebrate species. In addition, this alteration is predicted to be deleterious by in silico analysis. This variant is considered to be rare based on population cohorts in the Genome Aggregation Database (gnomAD). Based on the supporting evidence, this alteration is interpreted as a disease-causing mutation.

Genetics and Molecular Pathology, SA Pathology
Classification: Pathogenic for Hypertrophic cardiomyopathy 1. Last evaluated: 2021-03-22. Review status: criteria provided, single submitter. Criteria: ACMG Guidelines, 2015. Collection method: clinical testing. Allele origin: germline. Affected: yes. Not counted in ClinVar's aggregate classification.

NM_000257.4(MYH7):c.2221G>T (p.Gly741Trp)

Gene: MYH7 (myosin heavy chain 7; minus strand). Cytogenetic location: 14q11.2.
Variant type: single nucleotide variant.
Coding change: c.2221G>T on transcript NM_000257.4 (MANE Select); coding-DNA position 2221, G replaced by T.
Protein change: p.Gly741Trp; replaces glycine 741 with tryptophan.
Molecular consequence: missense variant.
Genome position (GRCh38, 1-based): chr14:23,425,760, C>A on the plus strand (G>T on the coding strand, the complement: MYH7 is on the minus strand). VCF-style: chr14-23425760-C-A. GRCh37 (hg19) VCF-style: chr14-23894969-C-A.
Other names: p.G741W:GGG>TGG; NM_000257.3(MYH7):c.2221G>T; short protein forms G741W.
Identifiers: ClinVar variation 177665 (VCV000177665.36), dbSNP rs121913632, ClinGen allele CA012022.
Genomic context (GRCh38, chr14:23,425,760, plus strand): 5'-TGTGGCCAAACTTGTACTGGTTGTGATCAATGTCCAGGGAGCTGAGCAGCTTCTCTGCCC[C>A]CTTCCTGCTATCAATGAACTGTCCCTCAGGGATGGCCGCTGGGTTCAGGATGCGATACCT-3'
Protein context (NP_000248.2, residues 731-751): PEGQFIDSRK[Gly741Trp]AEKLLSSLDI